The following is an entry in ClinVar:

ClinVar aggregate classification (germline): Uncertain significance. Review status: criteria provided, multiple submitters, no conflicts (2 of 4 stars). 4 submissions from 4 submitters: Uncertain significance (4). Last evaluated 2025-09-05.

Conditions:
Dilated cardiomyopathy 1G (CMD1G). Identifiers: Orphanet 154, MedGen C1858763, MONDO:0011400, OMIM 604145.
Autosomal recessive limb-girdle muscular dystrophy type 2J (LGMDR10). Also called: Limb-girdle muscular dystrophy, type 2J; MUSCULAR DYSTROPHY, LIMB-GIRDLE, AUTOSOMAL RECESSIVE 10. Identifiers: Orphanet 140922, MedGen C1837342, MONDO:0012127, OMIM 608807.
Cardiovascular phenotype. Identifiers: MedGen CN230736.

Allele frequency attached by ClinVar (database versions not stated): gnomAD 0.00001; gnomAD exomes 0.00001; TOPMed 0.00001.
gnomAD v4.1: 22 of 1,613,342 alleles (0.0014%); highest among the groups gnomAD compares: Admixed American, 0.0033%; no homozygotes.

Submissions (4):

Mayo Clinic Laboratories, Mayo Clinic
Classification: Uncertain significance. Last evaluated: 2025-09-05. Review status: criteria provided, single submitter. Criteria: ACMG Guidelines, 2015. Collection method: clinical testing. Allele origin: germline. Observed: 1 variant allele.

GeneDx
Classification: Uncertain significance. Last evaluated: 2019-08-06. Review status: criteria provided, single submitter. Criteria: GeneDx Variant Classification Process June 2021. Collection method: clinical testing. Allele origin: germline. Affected: yes.

Ambry Genetics
Classification: Uncertain significance for Cardiovascular phenotype. Last evaluated: 2019-06-02. Review status: criteria provided, single submitter. Criteria: Ambry Variant Classification Scheme 2023. Collection method: clinical testing. Allele origin: germline.
Comment: The p.A11781V variant (also known as c.35342C>T), located in coding exon 131 of the TTN gene, results from a C to T substitution at nucleotide position 35342. The alanine at codon 11781 is replaced by valine, an amino acid with similar properties. This amino acid position is highly conserved in available vertebrate species. In addition, the in silico prediction for this alteration is inconclusive. Since supporting evidence is limited at this time, the clinical significance of this alteration remains unclear.

Labcorp Genetics (formerly Invitae), Labcorp
Classification: Uncertain significance for Dilated cardiomyopathy 1G; Autosomal recessive limb-girdle muscular dystrophy type 2J. Last evaluated: 2016-12-21. Review status: criteria provided, single submitter. Criteria: Invitae Variant Classification Sherloc (09022015). Collection method: clinical testing. Allele origin: germline.

NM_001267550.2(TTN):c.62537C>T (p.Ala20846Val)

Genes: TTN (titin; minus strand), TTN-AS1 (TTN antisense RNA 1; plus strand). Cytogenetic location: 2q31.2.
Variant type: single nucleotide variant.
Coding change: c.62537C>T on transcript NM_001267550.2 (MANE Select); coding-DNA position 62537, C replaced by T.
Protein change: p.Ala20846Val; replaces alanine 20846 with valine.
Molecular consequence: missense variant.
Genome position (GRCh38, 1-based): chr2:178,589,188, G>A on the plus strand (C>T on the coding strand, the complement: TTN is on the minus strand). VCF-style: chr2-178589188-G-A. GRCh37 (hg19) VCF-style: chr2-179453915-G-A.
Other names: p.Ala18278Val; c.57614C>T, p.Ala19205Val (NM_001256850.1); c.35342C>T, p.Ala11781Val (NM_003319.4); c.54833C>T, p.Ala18278Val (NM_133378.4); c.35717C>T, p.Ala11906Val (NM_133432.3); c.35918C>T, p.Ala11973Val (NM_133437.4); short protein forms A20846V, A11781V, A18278V, A11906V, A19205V, A11973V.
Identifiers: ClinVar variation 404985 (VCV000404985.8), dbSNP rs1060500518, ClinGen allele CA16610425.
Genomic context (GRCh38, chr2:178,589,188, plus strand): 5'-CCAGGCTTATCTAAAACATTGACAGTGGCATAGGCCACAAAACTGCCAGCCGTGTTAGTT[G>A]CCGTAACTACATATTTACCCCCATCACTTCGCTTTGCTTTAGTAAGAGAAAATTTAGATG-3'
Protein context (NP_001254479.2, residues 20836-20856): RSDGGKYVVT[Ala20846Val]TNTAGSFVAY